The following is an entry in ClinVar:

ClinVar aggregate classification (germline): Uncertain significance. Review status: criteria provided, multiple submitters, no conflicts (2 of 4 stars). 2 submissions from 2 submitters: Uncertain significance (2). Last evaluated 2025-08-15.

Conditions:
Inborn genetic diseases. Identifiers: MedGen C0950123, MeSH D030342.

gnomAD v4.1: 21 of 1,613,546 alleles (0.0013%); highest among the groups gnomAD compares: African/African-American, 0.027%; no homozygotes.

Submissions (2):

Ambry Genetics
Classification: Uncertain significance for Inborn genetic diseases. Last evaluated: 2025-08-15. Review status: criteria provided, single submitter. Criteria: Ambry Variant Classification Scheme 2023. Collection method: clinical testing. Allele origin: germline.

GeneDx
Classification: Uncertain significance. Last evaluated: 2025-07-29. Review status: criteria provided, single submitter. Criteria: GeneDx Variant Classification Process June 2021. Collection method: clinical testing. Allele origin: germline. Affected: yes.
Comment: In silico analysis supports that this missense variant has a deleterious effect on protein structure/function; Has not been previously published as pathogenic or benign to our knowledge

NM_133261.3(GIPC3):c.455G>T (p.Cys152Phe)

Gene: GIPC3 (GIPC PDZ domain containing family member 3; plus strand). Cytogenetic location: 19p13.3.
Variant type: single nucleotide variant.
Coding change: c.455G>T on transcript NM_133261.3 (MANE Select); coding-DNA position 455, G replaced by T.
Protein change: p.Cys152Phe; replaces cysteine 152 with phenylalanine.
Molecular consequence: missense variant.
Genome position (GRCh38, 1-based): chr19:3,586,857, G>T. VCF-style: chr19-3586857-G-T. GRCh37 (hg19) VCF-style: chr19-3586855-G-T.
Other names: c.455G>T, p.Cys152Phe (NM_001411144.1); short protein forms C152F.
Identifiers: ClinVar variation 4263786 (VCV004263786.2).